The following is an entry in ClinVar:

ClinVar aggregate classification (germline): Benign (1 of 4 stars; one submission).

Submission:

GeneDx
Classification: Benign. Last evaluated: 2018-06-19. Review status: criteria provided, single submitter. Criteria: GeneDx Variant Classification (06012015). Collection method: clinical testing. Allele origin: germline. Affected: yes.
Comment: This variant is considered likely benign or benign based on one or more of the following criteria: it is a conservative change, it occurs at a poorly conserved position in the protein, it is predicted to be benign by multiple in silico algorithms, and/or has population frequency not consistent with disease.

NM_005045.4(RELN):c.4589-206_4589-205insTTTTTCC

Gene: RELN (reelin; minus strand). Cytogenetic location: 7q22.1.
Variant type: Insertion.
Coding change: c.4589-206_4589-205insTTTTTCC on transcript NM_005045.4 (MANE Select); 206 bases into the intron before coding-DNA position 4589 through 205 bases into the intron before coding-DNA position 4589, TTTTTCC inserted.
Molecular consequence: intron variant.
Genome position: GRCh38 VCF-style: chr7-103566964-G-GAAGGAAA. GRCh37 (hg19) VCF-style: chr7-103207411-G-GAAGGAAA.
Other names: c.4589-206_4589-205insTTTTTCC (NM_173054.3).
Identifiers: ClinVar variation 669129 (VCV000669129.1), dbSNP rs57714347, ClinGen allele CA163914976.